The following is an entry in ClinVar:

ClinVar aggregate classification (germline): Pathogenic (1 of 4 stars; one submission).

Submission:

Athena Diagnostics
Classification: Pathogenic. Last evaluated: 2025-11-06. Review status: criteria provided, single submitter. Criteria: Athena Diagnostics Criteria. Collection method: clinical testing. Allele origin: unknown.
Comment: This variant alters a critical location within the protein, and is expected to severely affect function and cause disease. The frequency of this variant in the general population is consistent with pathogenicity. This variant has been identified in at least one individual with clinical features associated with this gene. At least one other missense variant at this codon is considered to be pathogenic or likely pathogenic, suggesting this variant may also cause disease. Greater than 90% of NOTCH3 pathogenic variants associated with CADASIL involve the gain or loss of a cysteine residue within the epidermal growth factor (EGF)-like repeat domain (PMID: 32457593, 20301673).

NM_000435.3(NOTCH3):c.1478G>A (p.Cys493Tyr)

Gene: NOTCH3 (notch receptor 3; minus strand). Cytogenetic location: 19p13.12.
Variant type: single nucleotide variant.
Coding change: c.1478G>A on transcript NM_000435.3 (MANE Select); coding-DNA position 1478, G replaced by A.
Protein change: p.Cys493Tyr; replaces cysteine 493 with tyrosine.
Molecular consequence: missense variant.
Genome position (GRCh38, 1-based): chr19:15,188,249, C>T on the plus strand (G>A on the coding strand, the complement: NOTCH3 is on the minus strand). VCF-style: chr19-15188249-C-T. GRCh37 (hg19) VCF-style: chr19-15299060-C-T.
Other names: short protein forms C493Y.
Identifiers: ClinVar variation 4682146 (VCV004682146.1).
Genomic context (GRCh38, chr19:15,188,249, plus strand): 5'-CCTTCCCAGACATGTCTTTTCGGGCTCCCTCTCCTGAGGTCCTCACCCGAGGGGCAGGTG[C>T]AGCTGAAGCCATTGACTCGGTCCTTGCAGACCCCACCGTTGACACAGGGGCTACTCTGAC-3'
Protein context (NP_000426.2, residues 483-503): VCKDRVNGFS[Cys493Tyr]TCPSGFSGST